The following is an entry in ClinVar:

NM_000939.4(POMC):c.250T>G (p.Trp84Gly)

Gene: POMC (proopiomelanocortin; minus strand). Cytogenetic location: 2p23.3.
Variant type: single nucleotide variant.
Coding change: c.250T>G on transcript NM_000939.4 (MANE Select); coding-DNA position 250, T replaced by G.
Protein change: p.Trp84Gly; replaces tryptophan 84 with glycine.
Molecular consequence: missense variant.
Genome position (GRCh38, 1-based): chr2:25,161,635, A>C on the plus strand (T>G on the coding strand, the complement: POMC is on the minus strand). VCF-style: chr2-25161635-A-C. GRCh37 (hg19) VCF-style: chr2-25384504-A-C.
Other names: c.250T>G, p.Trp84Gly (NM_001035256.3, NM_001319204.2, NM_001319205.2); c.250T>G (NM_000939.3); short protein forms W84G.
Identifiers: ClinVar variation 436363 (VCV000436363.9), dbSNP rs748145117, ClinGen allele CA346067456.

ClinVar aggregate classification (germline): Uncertain significance. Review status: criteria provided, multiple submitters, no conflicts (2 of 4 stars). 4 submissions from 4 submitters: Uncertain significance (4). Last evaluated 2025-12-01.

Conditions:
POMC-related disorder. Also called: POMC-related disorders; POMC-related condition.
Inborn genetic diseases. Identifiers: MedGen C0950123, MeSH D030342.

Allele frequency attached by ClinVar (database versions not stated): gnomAD 0.00001; TOPMed 0.00001.
gnomAD v4.1: 4 of 1,552,500 alleles (0.00026%); highest among the groups gnomAD compares: African/African-American, 0.0028%; no homozygotes.

Submissions (4):

PreventionGenetics, part of Exact Sciences
Classification: Uncertain significance for POMC-related condition. Last evaluated: 2025-12-01. Review status: criteria provided, single submitter. Criteria: ACMG Guidelines, 2015. Collection method: clinical testing. Allele origin: germline.
Comment: The POMC c.250T>G variant is predicted to result in the amino acid substitution p.Trp84Gly. To our knowledge, this variant has not been reported in the literature. This variant is reported in 0.0078% of alleles in individuals of Latino descent in gnomAD. At this time, the clinical significance of this variant is uncertain due to the absence of conclusive functional and genetic evidence.

Ambry Genetics
Classification: Uncertain significance for Inborn genetic diseases. Last evaluated: 2024-12-17. Review status: criteria provided, single submitter. Criteria: Ambry Variant Classification Scheme 2023. Collection method: clinical testing. Allele origin: germline.

Blueprint Genetics
Classification: Uncertain significance. Last evaluated: 2023-02-27. Review status: criteria provided, single submitter. Criteria: ACMG Guidelines, 2015. Collection method: clinical testing. Allele origin: germline.

Genetic Services Laboratory, University of Chicago
Classification: Uncertain significance. Last evaluated: 2016-12-27. Review status: criteria provided, single submitter. Criteria: ACMG Guidelines, 2015. Collection method: clinical testing. Allele origin: germline. Affected: no.